The following is an entry in ClinVar:

ClinVar aggregate classification (germline): Uncertain significance (1 of 4 stars; one submission).

Conditions:
Hereditary cancer-predisposing syndrome. Also called: Neoplastic Syndromes, Hereditary; Tumor predisposition; Hereditary Cancer Syndrome; Hereditary neoplastic syndrome. Identifiers: Orphanet 140162, MedGen C0027672, MeSH D009386, MONDO:0015356.

Allele frequency attached by ClinVar (database versions not stated): gnomAD exomes below 0.00001; gnomAD 0.00001.

Submission:

Ambry Genetics
Classification: Uncertain significance for Hereditary cancer-predisposing syndrome. Last evaluated: 2020-04-30. Review status: criteria provided, single submitter. Criteria: Ambry Variant Classification Scheme 2023. Collection method: clinical testing. Allele origin: germline.
Comment: The p.L1006M variant (also known as c.3016T>A), located in coding exon 10 of the PALB2 gene, results from a T to A substitution at nucleotide position 3016. The leucine at codon 1006 is replaced by methionine, an amino acid with highly similar properties. This amino acid position is highly conserved in available vertebrate species. In addition, this alteration is predicted to be tolerated by in silico analysis. Since supporting evidence is limited at this time, the clinical significance of this alteration remains unclear.

NM_024675.4(PALB2):c.3016T>A (p.Leu1006Met)

Gene: PALB2 (partner and localizer of BRCA2; minus strand). Cytogenetic location: 16p12.2.
Variant type: single nucleotide variant.
Coding change: c.3016T>A on transcript NM_024675.4 (MANE Select); coding-DNA position 3016, T replaced by A.
Protein change: p.Leu1006Met; replaces leucine 1006 with methionine.
Molecular consequence: missense variant.
Genome position (GRCh38, 1-based): chr16:23,621,459, A>T on the plus strand (T>A on the coding strand, the complement: PALB2 is on the minus strand). VCF-style: chr16-23621459-A-T. GRCh37 (hg19) VCF-style: chr16-23632780-A-T.
Other names: c.2956T>A, p.Leu986Met (NM_001407296.1); c.2944T>A, p.Leu982Met (NM_001407297.1); c.2854T>A, p.Leu952Met (NM_001407298.1, NM_001407302.1); c.3016T>A, p.Leu1006Met (NM_001407299.1, NM_001407301.1); c.2131T>A, p.Leu711Met (NM_001407304.1, NM_001407305.1, NM_001407306.1 and 4 more transcripts); c.1969T>A, p.Leu657Met (NM_001407307.1); c.1228T>A, p.Leu410Met (NM_001407312.1, NM_001407313.1); c.550T>A, p.Leu184Met (NM_001407314.1); short protein forms L410M, L952M, L982M, L1006M, L184M, L657M, L711M, L986M.
Identifiers: ClinVar variation 1798863 (VCV001798863.2), dbSNP rs1447096272, ClinGen allele CA395143154.